The following is an entry in ClinVar:

NM_000037.4(ANK1):c.597G>A (p.Pro199=)

Genes: ANK1 (ankyrin 1; minus strand), LOC124153154 (Sharpr-MPRA regulatory region 1462; plus strand). Cytogenetic location: 8p11.21.
Variant type: single nucleotide variant.
Coding change: c.597G>A on transcript NM_000037.4 (MANE Select); coding-DNA position 597, G replaced by A.
Protein change: p.Pro199=; no amino-acid change (proline 199 retained).
Molecular consequence: synonymous variant.
Genome position (GRCh38, 1-based): chr8:41,725,776, C>T on the plus strand (G>A on the coding strand, the complement: ANK1 is on the minus strand). VCF-style: chr8-41725776-C-T. GRCh37 (hg19) VCF-style: chr8-41583294-C-T.
Other names: p.Pro199=; c.696G>A, p.Pro232= (NM_001142446.2); c.597G>A, p.Pro199= (NM_020475.3, NM_020476.3, NM_020477.3).
Identifiers: ClinVar variation 261319 (VCV000261319.31), dbSNP rs2304873, ClinGen allele CA4728933.

ClinVar aggregate classification (germline): Benign/Likely benign. Review status: criteria provided, multiple submitters, no conflicts (2 of 4 stars). 10 submissions from 9 submitters: Benign (9); Likely benign (1). Last evaluated 2026-02-03.

Conditions:
Spherocytosis. Identifiers: MedGen C0553720, HP:0004444.
Hereditary spherocytosis type 1. Also called: Spherocytosis type 1; ANK1-Related Spherocytosis. Identifiers: Orphanet 822, MedGen C2674218, MONDO:0008447, OMIM 182900.

Allele frequency attached by ClinVar (database versions not stated): ESP Exome Variant Server 0.10208; TOPMed 0.10426; 1000 Genomes Project 30x 0.10431; 1000 Genomes Project 0.10503; gnomAD 0.10581 and 0.10896; gnomAD exomes 0.13278; ExAC 0.13820.
gnomAD v4.1: 216,304 of 1,609,872 alleles (13%); highest among the groups gnomAD compares: South Asian, 19%; 15,481 homozygotes.

Submissions (10):

Labcorp Genetics (formerly Invitae), Labcorp
Classification: Benign. Last evaluated: 2026-02-03. Review status: criteria provided, single submitter. Criteria: Invitae Variant Classification Sherloc (09022015). Collection method: clinical testing. Allele origin: germline.

ARUP Laboratories, Molecular Genetics and Genomics, ARUP Laboratories
Classification: Benign for Hereditary spherocytosis type 1. Last evaluated: 2025-07-24. Review status: criteria provided, single submitter. Criteria: ARUP Molecular Germline Variant Investigation Process 2024. Collection method: clinical testing. Allele origin: germline.

Blueprint Genetics
Classification: Likely benign. Last evaluated: 2024-11-27. Review status: criteria provided, single submitter. Criteria: ACMG Guidelines, 2015. Collection method: clinical testing. Allele origin: germline.

Genome-Nilou Lab
Classification: Benign for Hereditary spherocytosis type 1. Last evaluated: 2021-12-05. Review status: criteria provided, single submitter. Criteria: ACMG Guidelines, 2015. Collection method: clinical testing. Allele origin: germline. Affected: no.

GeneDx
Classification: Benign. Last evaluated: 2018-11-10. Review status: criteria provided, single submitter. Criteria: GeneDx Variant Classification Process June 2021. Collection method: clinical testing. Allele origin: germline. Affected: yes.

Illumina Laboratory Services, Illumina
Classification: Benign for Hereditary spherocytosis type 1. Last evaluated: 2018-01-13. Review status: criteria provided, single submitter. Criteria: ICSL Variant Classification Criteria 13 December 2019. Collection method: clinical testing. Allele origin: germline.
Comment: This variant was observed in the ICSL laboratory as part of a predisposition screen in an ostensibly healthy population. It had not been previously curated by ICSL or reported in the Human Gene Mutation Database (HGMD: prior to June 1st, 2018), and was therefore a candidate for classification through an automated scoring system. Utilizing variant allele frequency, disease prevalence and penetrance estimates, and inheritance mode, an automated score was calculated to assess if this variant is too frequent to cause the disease. Based on the score and internal cut-off values, a variant classified as benign is not then subjected to further curation. The score for this variant resulted in a classification of benign for this disease.

Illumina Laboratory Services, Illumina
Classification: Benign for Spherocytosis. Last evaluated: 2018-01-13. Review status: criteria provided, single submitter. Criteria: ICSL Variant Classification Criteria 13 December 2019. Collection method: clinical testing. Allele origin: germline.
Comment: the same text as in the submission from Illumina Laboratory Services, Illumina above.

Mayo Clinic Laboratories, Mayo Clinic
Classification: Benign. Last evaluated: 2016-04-15. Review status: criteria provided, single submitter. Criteria: ACMG Guidelines, 2015. Collection method: clinical testing. Allele origin: germline. Observed: 503 variant alleles.

Breakthrough Genomics
Classification: Benign. Review status: criteria provided, single submitter. Criteria: ACMG Guidelines, 2015. Collection method: not provided. Allele origin: germline. Inheritance: Autosomal dominant inheritance. Affected: yes.

PreventionGenetics, part of Exact Sciences
Classification: Benign. Review status: criteria provided, single submitter. Criteria: ACMG Guidelines, 2015. Collection method: clinical testing. Allele origin: germline.